The following is an entry in ClinVar:

NM_000748.3(CHRNB2):c.1199C>A (p.Ala400Asp)

Gene: CHRNB2 (cholinergic receptor nicotinic beta 2 subunit; plus strand). Cytogenetic location: 1q21.3.
Variant type: single nucleotide variant.
Coding change: c.1199C>A on transcript NM_000748.3 (MANE Select); coding-DNA position 1199, C replaced by A.
Protein change: p.Ala400Asp; replaces alanine 400 with aspartic acid.
Molecular consequence: missense variant.
Genome position (GRCh38, 1-based): chr1:154,572,022, C>A. VCF-style: chr1-154572022-C-A. GRCh37 (hg19) VCF-style: chr1-154544498-C-A.
Other names: short protein forms A400D.
Identifiers: ClinVar variation 424567 (VCV000424567.9), dbSNP rs1020953003, ClinGen allele CA16616986.
Genomic context (GRCh38, chr1:154,572,022, plus strand): 5'-AAGCCCCAGGGGCCGACTCCTGCACGTGCTTCGTCAACCGCGCGTCGGTGCAGGGGTTGG[C>A]CGGGGCCTTCGGGGCTGAGCCTGCACCAGTGGCGGGCCCCGGGCGCTCAGGGGAGCCGTG-3'
Protein context (NP_000739.1, residues 390-410): FVNRASVQGL[Ala400Asp]GAFGAEPAPV

ClinVar aggregate classification (germline): Uncertain significance. Review status: criteria provided, multiple submitters, no conflicts (2 of 4 stars). 3 submissions from 3 submitters: Uncertain significance (3). Last evaluated 2025-02-24.

Conditions:
Familial sleep-related hypermotor epilepsy. Also called: Autosomal Dominant Sleep-Related Hypermotor (Hyperkinetic) Epilepsy. Identifiers: Orphanet 98784, MedGen C3696898, MONDO:0000030.
Inborn genetic diseases. Identifiers: MedGen C0950123, MeSH D030342.

Allele frequency attached by ClinVar (database versions not stated): gnomAD 0.00001; gnomAD exomes below 0.00001; TOPMed 0.00002.
gnomAD v4.1: 5 of 1,533,488 alleles (0.00033%); highest among the groups gnomAD compares: Non-Finnish European, 0.00044%; no homozygotes.

Submissions (3):

Labcorp Genetics (formerly Invitae), Labcorp
Classification: Uncertain significance. Last evaluated: 2025-02-24. Review status: criteria provided, single submitter. Criteria: Invitae Variant Classification Sherloc (09022015). Collection method: clinical testing. Allele origin: germline.
Comment: This sequence change replaces alanine, which is neutral and non-polar, with aspartic acid, which is acidic and polar, at codon 400 of the CHRNB2 protein (p.Ala400Asp). This variant is not present in population databases (gnomAD no frequency). This variant has not been reported in the literature in individuals affected with CHRNB2-related conditions. ClinVar contains an entry for this variant (Variation ID: 424567). Invitae Evidence Modeling of protein sequence and biophysical properties (such as structural, functional, and spatial information, amino acid conservation, physicochemical variation, residue mobility, and thermodynamic stability) indicates that this missense variant is not expected to disrupt CHRNB2 protein function with a negative predictive value of 95%. In summary, the available evidence is currently insufficient to determine the role of this variant in disease. Therefore, it has been classified as a Variant of Uncertain Significance.

Ambry Genetics
Classification: Uncertain significance for Inborn genetic diseases. Last evaluated: 2024-06-16. Review status: criteria provided, single submitter. Criteria: Ambry Variant Classification Scheme 2023. Collection method: clinical testing. Allele origin: germline.

GeneDx
Classification: Uncertain significance. Last evaluated: 2017-03-27. Review status: criteria provided, single submitter. Criteria: GeneDx Variant Classification (06012015). Collection method: clinical testing. Allele origin: germline. Affected: yes.
Comment: A variant of uncertain significance has been identified in the CHRNB2 gene. The A400D variant has not been published as a pathogenic variant, nor has it been reported as a benign variant to our knowledge. The A400D variant is not observed in large population cohorts; however, limited data are available (Lek et al., 2016; 1000 Genomes Consortium et al., 2015; Exome Variant Server). The A400D variant is a non-conservative amino acid substitution, which is likely to impact secondary protein structure as these residues differ in polarity, charge, size and/or other properties. However, this substitution occurs at a position that is not conserved and in silico analysis predicts this variant likely does not alter the protein structure/function. Additionally, this amino acid substitution is not predicted to occur within the transmembrane region of the protein, where the vast majority of pathogenic missense variants have been identified in association with epilepsy (Steinlein et al., 2010). Therefore, based on the currently available information, it is unclear whether this variant is a pathogenic variant or a rare benign variant.